The following is an entry in ClinVar:

NM_001128840.3(CACNA1D):c.3865G>A (p.Ala1289Thr)

Gene: CACNA1D (calcium voltage-gated channel subunit alpha1 D; plus strand). Cytogenetic location: 3p21.1.
Variant type: single nucleotide variant.
Coding change: c.3865G>A on transcript NM_001128840.3 (MANE Select); coding-DNA position 3865, G replaced by A.
Protein change: p.Ala1289Thr; replaces alanine 1289 with threonine.
Molecular consequence: missense variant.
Genome position (GRCh38, 1-based): chr3:53,762,076, G>A. VCF-style: chr3-53762076-G-A. GRCh37 (hg19) VCF-style: chr3-53796103-G-A.
Other names: c.3925G>A, p.Ala1309Thr (NM_000720.4); c.3865G>A, p.Ala1289Thr (NM_001128839.3); c.3925G>A (NM_000720.3, NM_000720.2); short protein forms A1309T, A1289T.
Identifiers: ClinVar variation 1465718 (VCV001465718.9), dbSNP rs1233357713, ClinGen allele CA353254572.

ClinVar aggregate classification (germline): Uncertain significance. Review status: criteria provided, multiple submitters, no conflicts (2 of 4 stars). 3 submissions from 3 submitters: Uncertain significance (2). 1 of the submissions does not count toward it. Last evaluated 2025-10-29.

Conditions:
CACNA1D-related disorder.

Allele frequency attached by ClinVar (database versions not stated): gnomAD exomes below 0.00001 and 0.00001; gnomAD 0.00001; TOPMed 0.00003.
gnomAD v4.1: 2 of 1,608,608 alleles (0.00012%); highest among the groups gnomAD compares: African/African-American, 0.0027%; no homozygotes.

Submissions (3):

Labcorp Genetics (formerly Invitae), Labcorp
Classification: Uncertain significance. Last evaluated: 2025-10-29. Review status: criteria provided, single submitter. Criteria: Invitae Variant Classification Sherloc (09022015). Collection method: clinical testing. Allele origin: germline.
Comment: This sequence change replaces alanine, which is neutral and non-polar, with threonine, which is neutral and polar, at codon 1309 of the CACNA1D protein (p.Ala1309Thr). This variant is present in population databases (no rsID available, gnomAD 0.01%). This variant has not been reported in the literature in individuals affected with CACNA1D-related conditions. ClinVar contains an entry for this variant (Variation ID: 1465718). Invitae Evidence Modeling of protein sequence and biophysical properties (such as structural, functional, and spatial information, amino acid conservation, physicochemical variation, residue mobility, and thermodynamic stability) indicates that this missense variant is not expected to disrupt CACNA1D protein function with a negative predictive value of 80%. In summary, the available evidence is currently insufficient to determine the role of this variant in disease. Therefore, it has been classified as a Variant of Uncertain Significance.

GeneDx
Classification: Uncertain significance. Last evaluated: 2024-03-28. Review status: criteria provided, single submitter. Criteria: GeneDx Variant Classification Process June 2021. Collection method: clinical testing. Allele origin: germline. Affected: yes.
Comment: In silico analysis supports that this missense variant does not alter protein structure/function; Has not been previously published as pathogenic or benign to our knowledge

PreventionGenetics, part of Exact Sciences
Classification: Uncertain significance for CACNA1D-related condition. Last evaluated: 2023-12-19. Review status: no assertion criteria provided. Collection method: clinical testing. Allele origin: germline. Not counted in ClinVar's aggregate classification.
Comment: The CACNA1D c.3925G>A variant is predicted to result in the amino acid substitution p.Ala1309Thr. To our knowledge, this variant has not been reported in the literature. This variant is reported in 0.012% of alleles in individuals of African descent in gnomAD. At this time, the clinical significance of this variant is uncertain due to the absence of conclusive functional and genetic evidence.